The following is an entry in ClinVar:

NM_017999.5(RNF31):c.1175G>C (p.Gly392Ala)

Gene: RNF31 (ring finger protein 31; plus strand). Cytogenetic location: 14q12.
Variant type: single nucleotide variant.
Coding change: c.1175G>C on transcript NM_017999.5 (MANE Select); coding-DNA position 1175, G replaced by C.
Protein change: p.Gly392Ala; replaces glycine 392 with alanine.
Molecular consequence: missense variant.
Genome position (GRCh38, 1-based): chr14:24,150,426, G>C. VCF-style: chr14-24150426-G-C. GRCh37 (hg19) VCF-style: chr14-24619635-G-C.
Other names: c.722G>C, p.Gly241Ala (NM_001310332.2); short protein forms G392A, G241A.
Identifiers: ClinVar variation 4736021 (VCV004736021.1).

ClinVar aggregate classification (germline): Uncertain significance (1 of 4 stars; one submission).

Submission:

Labcorp Genetics (formerly Invitae), Labcorp
Classification: Uncertain significance. Last evaluated: 2026-01-29. Review status: criteria provided, single submitter. Criteria: Invitae Variant Classification Sherloc (09022015). Collection method: clinical testing. Allele origin: germline.
Comment: This sequence change replaces glycine, which is neutral and non-polar, with alanine, which is neutral and non-polar, at codon 392 of the RNF31 protein (p.Gly392Ala). This variant is not present in population databases (gnomAD no frequency). This variant has not been reported in the literature in individuals affected with RNF31-related conditions. An algorithm developed to predict the effect of missense changes on protein structure and function (PolyPhen-2) suggests that this variant is likely to be tolerated. In summary, the available evidence is currently insufficient to determine the role of this variant in disease. Therefore, it has been classified as a Variant of Uncertain Significance.